The following is an entry in ClinVar:

ClinVar aggregate classification (germline): Uncertain significance (1 of 4 stars; one submission).

Allele frequency attached by ClinVar (database versions not stated): ExAC 0.00001; gnomAD exomes 0.00001 and 0.00002; TOPMed 0.00002.

Submission:

Labcorp Genetics (formerly Invitae), Labcorp
Classification: Uncertain significance. Last evaluated: 2024-01-17. Review status: criteria provided, single submitter. Criteria: Invitae Variant Classification Sherloc (09022015). Collection method: clinical testing. Allele origin: germline.
Comment: This sequence change replaces proline, which is neutral and non-polar, with leucine, which is neutral and non-polar, at codon 265 of the SC5D protein (p.Pro265Leu). This variant is present in population databases (rs745380178, gnomAD 0.004%). This variant has not been reported in the literature in individuals affected with SC5D-related conditions. ClinVar contains an entry for this variant (Variation ID: 1368233). An algorithm developed to predict the effect of missense changes on protein structure and function (PolyPhen-2) suggests that this variant is likely to be tolerated. In summary, the available evidence is currently insufficient to determine the role of this variant in disease. Therefore, it has been classified as a Variant of Uncertain Significance.

NM_006918.5(SC5D):c.794C>T (p.Pro265Leu)

Gene: SC5D (sterol-C5-desaturase; plus strand). Cytogenetic location: 11q24.1.
Variant type: single nucleotide variant.
Coding change: c.794C>T on transcript NM_006918.5 (MANE Select); coding-DNA position 794, C replaced by T.
Protein change: p.Pro265Leu; replaces proline 265 with leucine.
Molecular consequence: missense variant.
Genome position (GRCh38, 1-based): chr11:121,307,406, C>T. VCF-style: chr11-121307406-C-T. GRCh37 (hg19) VCF-style: chr11-121178115-C-T.
Other names: c.794C>T, p.Pro265Leu (NM_001024956.3); short protein forms P265L.
Identifiers: ClinVar variation 1368233 (VCV001368233.9), dbSNP rs745380178, ClinGen allele CA6328229.